The following is an entry in ClinVar:

NM_020207.7(ERCC6L2):c.543G>T (p.Glu181Asp)

Gene: ERCC6L2 (ERCC excision repair 6 like 2; plus strand). Cytogenetic location: 9q22.32.
Variant type: single nucleotide variant.
Coding change: c.543G>T on transcript NM_020207.7 (MANE Select); coding-DNA position 543, G replaced by T.
Protein change: p.Glu181Asp; replaces glutamic acid 181 with aspartic acid.
Molecular consequence: missense variant. On other transcripts: non-coding transcript variant (1).
Genome position (GRCh38, 1-based): chr9:95,897,920, G>T. VCF-style: chr9-95897920-G-T. GRCh37 (hg19) VCF-style: chr9-98660202-G-T.
Other names: c.543G>T, p.Glu181Asp (NM_001010895.4, NM_001375291.1, NM_001375292.1 and 2 more transcripts); short protein forms E181D.
Identifiers: ClinVar variation 4618710 (VCV004618710.1).

ClinVar aggregate classification (germline): Uncertain significance (1 of 4 stars; one submission).

Conditions:
Inborn genetic diseases. Identifiers: MedGen C0950123, MeSH D030342.

Submission:

Ambry Genetics
Classification: Uncertain significance for Inborn genetic diseases. Last evaluated: 2025-09-26. Review status: criteria provided, single submitter. Criteria: Ambry Variant Classification Scheme 2023. Collection method: clinical testing. Allele origin: germline.
Comment: The p.E181D variant (also known as c.543G>T), located in coding exon 3 of the ERCC6L2 gene, results from a G to T substitution at nucleotide position 543. The glutamic acid at codon 181 is replaced by aspartic acid, an amino acid with highly similar properties. This amino acid position is conserved. In addition, this alteration is predicted to be tolerated by in silico analysis. Based on the available evidence, the clinical significance of this variant remains unclear.